The following is an entry in ClinVar:

NM_001270508.2(TNFAIP3):c.1704_1724dup (p.Ser575_Pro576insArgLeuValArgSerProSer)

Gene: TNFAIP3 (TNF alpha induced protein 3; plus strand). Cytogenetic location: 6q23.3.
Variant type: Duplication.
Coding change: c.1704_1724dup on transcript NM_001270508.2 (MANE Select); coding-DNA positions 1704 to 1724, 21 bases duplicated (GCGGCTCGTCCGGAGCCCCTC).
Protein change: p.Ser575_Pro576insArgLeuValArgSerProSer.
Molecular consequence: inframe insertion.
Genome position (GRCh38, 1-based): chr6:137,879,149-137,879,169, GCGGCTCGTCCGGAGCCCCTC duplicated; duplicating any 21 consecutive bases within chr6:137,879,144-137,879,169 gives the same sequence; the c. name uses the placement nearest the transcript's 3' end. VCF-style (leftmost placement, unchanged base first): chr6-137879143-T-TCCCTCGCGGCTCGTCCGGAGC. GRCh37 (hg19) VCF-style: chr6-138200280-T-TCCCTCGCGGCTCGTCCGGAGC.
Other names: c.1704_1724dup, p.Ser575_Pro576insArgLeuValArgSerProSer (NM_001270507.2, NM_006290.4).
Identifiers: ClinVar variation 1928724 (VCV001928724.5), dbSNP rs2482757659, ClinGen allele CA2580075127.
Genomic context (GRCh38, chr6:137,879,143, plus strand): 5'-GGCCTCCTCCAGCCTCAGCACCAGCCTCCCTCCTTCCTGTCACCAGCGTTCCAAGTCAGA[T>TCCCTCGCGGCTCGTCCGGAGC]CCCTCGCGGCTCGTCCGGAGCCCCTCCCCGCATTCTTGCCACAGAGCTGGAAACGACGCC-3'

ClinVar aggregate classification (germline): Uncertain significance (1 of 4 stars; one submission).

Submission:

Labcorp Genetics (formerly Invitae), Labcorp
Classification: Uncertain significance. Last evaluated: 2022-07-19. Review status: criteria provided, single submitter. Criteria: Invitae Variant Classification Sherloc (09022015). Collection method: clinical testing. Allele origin: germline.
Comment: This variant, c.1704_1724dup, results in the insertion of 7 amino acid(s) of the TNFAIP3 protein (p.Arg569_Ser575dup), but otherwise preserves the integrity of the reading frame. This variant is not present in population databases (gnomAD no frequency). This variant has not been reported in the literature in individuals affected with TNFAIP3-related conditions. In summary, the available evidence is currently insufficient to determine the role of this variant in disease. Therefore, it has been classified as a Variant of Uncertain Significance.